The following is an entry in ClinVar:

ClinVar aggregate classification (germline): Uncertain significance (1 of 4 stars; one submission).

Conditions:
Cryopyrin associated periodic syndrome (CAPS). Identifiers: Orphanet 208650, MedGen C2316212, MONDO:0016168.

Submission:

Labcorp Genetics (formerly Invitae), Labcorp
Classification: Uncertain significance for Cryopyrin associated periodic syndrome. Last evaluated: 2023-10-09. Review status: criteria provided, single submitter. Criteria: Invitae Variant Classification Sherloc (09022015). Collection method: clinical testing. Allele origin: germline.
Comment: This sequence change replaces lysine, which is basic and polar, with glutamic acid, which is acidic and polar, at codon 166 of the NLRP3 protein (p.Lys166Glu). This variant is not present in population databases (gnomAD no frequency). This variant has not been reported in the literature in individuals affected with NLRP3-related conditions. Advanced modeling of protein sequence and biophysical properties (such as structural, functional, and spatial information, amino acid conservation, physicochemical variation, residue mobility, and thermodynamic stability) has been performed at Invitae for this missense variant, however the output from this modeling did not meet the statistical confidence thresholds required to predict the impact of this variant on NLRP3 protein function. In summary, the available evidence is currently insufficient to determine the role of this variant in disease. Therefore, it has been classified as a Variant of Uncertain Significance.

NM_001243133.2(NLRP3):c.490A>G (p.Lys164Glu)

Gene: NLRP3 (NLR family pyrin domain containing 3; plus strand). Cytogenetic location: 1q44.
Variant type: single nucleotide variant.
Coding change: c.490A>G on transcript NM_001243133.2 (MANE Select); coding-DNA position 490, A replaced by G.
Protein change: p.Lys164Glu; replaces lysine 164 with glutamic acid.
Molecular consequence: missense variant.
Genome position (GRCh38, 1-based): chr1:247,423,939, A>G. VCF-style: chr1-247423939-A-G. GRCh37 (hg19) VCF-style: chr1-247587241-A-G.
Other names: c.496A>G, p.Lys166Glu (NM_004895.5); c.490A>G, p.Lys164Glu (NM_183395.3, NM_001079821.3, NM_001127461.3 and 1 more transcripts); short protein forms K164E, K166E.
Identifiers: ClinVar variation 2767199 (VCV002767199.3), dbSNP rs2527254896, ClinGen allele CA345554784.
Genomic context (GRCh38, chr1:247,423,939, plus strand): 5'-AGCAGATTCCAGTGCATTGAAGACAGGAATGCCCGTCTGGGTGAGAGTGTGAGCCTCAAC[A>G]AACGCTACACACGACTGCGTCTCATCAAGGAGCACCGGAGCCAGCAGGAGAGGGAGCAGG-3'
Protein context (NP_001230062.1, residues 154-174): ARLGESVSLN[Lys164Glu]RYTRLRLIKE